The following is an entry in ClinVar:

NM_007098.4(CLTCL1):c.1219C>T (p.Gln407Ter)

Genes: CLTCL1 (clathrin heavy chain like 1; minus strand), LOC126863097 (BRD4-independent group 4 enhancer GRCh37_chr22:19220751-19221950; plus strand). Cytogenetic location: 22q11.21.
Variant type: single nucleotide variant.
Coding change: c.1219C>T on transcript NM_007098.4 (MANE Select); coding-DNA position 1219, C replaced by T.
Protein change: p.Gln407Ter; replaces glutamine 407 with a stop codon.
Molecular consequence: nonsense.
Genome position (GRCh38, 1-based): chr22:19,233,571, G>A on the plus strand (C>T on the coding strand, the complement: CLTCL1 is on the minus strand). VCF-style: chr22-19233571-G-A. GRCh37 (hg19) VCF-style: chr22-19221094-G-A.
Other names: p.Gln407*; c.1219C>T, p.Gln407Ter (NM_001835.4); short protein forms Q407*.
Identifiers: ClinVar variation 4542428 (VCV004542428.1).

ClinVar aggregate classification (germline): Uncertain significance (1 of 4 stars; one submission).

Submission:

Mayo Clinic Laboratories, Mayo Clinic
Classification: Uncertain significance. Last evaluated: 2025-05-07. Review status: criteria provided, single submitter. Criteria: ACMG Guidelines, 2015. Collection method: clinical testing. Allele origin: germline. Observed: 1 variant allele.
Comment: PM2_supporting

Literature cited by the submitters: PubMed 24126932.